The following is an entry in ClinVar:

NM_032122.5(DTNBP1):c.1049A>G (p.Asp350Gly)

Gene: DTNBP1 (dystrobrevin binding protein 1; minus strand). Cytogenetic location: 6p22.3.
Variant type: single nucleotide variant.
Coding change: c.1049A>G on transcript NM_032122.5 (MANE Select); coding-DNA position 1049, A replaced by G.
Protein change: p.Asp350Gly; replaces aspartic acid 350 with glycine.
Molecular consequence: missense variant.
Genome position (GRCh38, 1-based): chr6:15,522,982, T>C on the plus strand (A>G on the coding strand, the complement: DTNBP1 is on the minus strand). VCF-style: chr6-15522982-T-C. GRCh37 (hg19) VCF-style: chr6-15523213-T-C.
Other names: c.806A>G, p.Asp269Gly (NM_001271667.2); c.998A>G, p.Asp333Gly (NM_001271668.2); c.944A>G, p.Asp315Gly (NM_001271669.2); short protein forms D269G, D333G, D315G, D350G.
Identifiers: ClinVar variation 1368106 (VCV001368106.8), dbSNP rs1772003084, ClinGen allele CA362804629.

ClinVar aggregate classification (germline): Uncertain significance (1 of 4 stars; one submission).

Allele frequency attached by ClinVar (database versions not stated): gnomAD 0.00001.
gnomAD v4.1: 1 of 1,614,002 alleles (0.000062%); highest among the groups gnomAD compares: Admixed American, 0.0017%; no homozygotes.

Submission:

Labcorp Genetics (formerly Invitae), Labcorp
Classification: Uncertain significance. Last evaluated: 2022-07-05. Review status: criteria provided, single submitter. Criteria: Invitae Variant Classification Sherloc (09022015). Collection method: clinical testing. Allele origin: germline.
Comment: In summary, the available evidence is currently insufficient to determine the role of this variant in disease. Therefore, it has been classified as a Variant of Uncertain Significance. Algorithms developed to predict the effect of missense changes on protein structure and function are either unavailable or do not agree on the potential impact of this missense change (SIFT: "Deleterious"; PolyPhen-2: "Probably Damaging"; Align-GVGD: "Class C0"). ClinVar contains an entry for this variant (Variation ID: 1368106). This variant has not been reported in the literature in individuals affected with DTNBP1-related conditions. This variant is not present in population databases (gnomAD no frequency). This sequence change replaces aspartic acid, which is acidic and polar, with glycine, which is neutral and non-polar, at codon 350 of the DTNBP1 protein (p.Asp350Gly).